The following is an entry in ClinVar:

ClinVar aggregate classification (germline): Conflicting classifications of pathogenicity. Review status: criteria provided, conflicting classifications (1 of 4 stars). 4 submissions from 4 submitters: Uncertain significance (3); Likely benign (1). Last evaluated 2025-12-14.

Conditions:
Cardiovascular phenotype. Identifiers: MedGen CN230736.
Dilated cardiomyopathy 1DD (CMD1DD). Identifiers: Orphanet 154, MedGen C2750995, MONDO:0013168, OMIM 613172.

Allele frequency attached by ClinVar (database versions not stated): gnomAD exomes 0.00001 and 0.00002; gnomAD 0.00002; TOPMed 0.00002; ExAC 0.00005.
gnomAD v4.1: 17 of 1,551,566 alleles (0.0011%); highest among the groups gnomAD compares: South Asian, 0.0071%; no homozygotes.

Submissions (4):

Labcorp Genetics (formerly Invitae), Labcorp
Classification: Likely benign for Dilated cardiomyopathy 1DD. Last evaluated: 2025-12-14. Review status: criteria provided, single submitter. Criteria: Invitae Variant Classification Sherloc (09022015). Collection method: clinical testing. Allele origin: germline.

Neuberg Centre For Genomic Medicine, NCGM
Classification: Uncertain significance for Dilated cardiomyopathy 1DD. Last evaluated: 2023-06-22. Review status: criteria provided, single submitter. Criteria: ACMG Guidelines, 2015. Collection method: clinical testing. Allele origin: germline. Inheritance: Autosomal dominant inheritance. Affected: yes.
Comment: The missense c.2263C>T(p.Arg755Cys) variant in RBM20 gene has not been reported previously as a pathogenic variant nor as a benign variant, to our knowledge. This variant is present with an allele frequency of 0.002% in gnomAD Exomes. This variant has been submitted to the ClinVar database as Likely Benign/ Uncertain Significance. Multiple lines of computational evidence (SIFT - Damaging and MutationTaster - Disease causing) predict damaging effect on protein structure and function for this variant. The reference amino acid at this position in RBM20 is predicted as conserved by GERP++ and PhyloP across 100 vertebrates. The amino acid Arg at position 755 is changed to a Cys changing protein sequence and it might alter its composition and physico-chemical properties. For these reasons, this variant has been classified as Variant of Uncertain Significance (VUS).

Phosphorus, Inc.
Classification: Uncertain significance. Last evaluated: 2022-01-18. Review status: criteria provided, single submitter. Criteria: ACMG Guidelines, 2015. Collection method: clinical testing. Allele origin: germline. Inheritance: Autosomal dominant inheritance.
Comment: This missense variant results in an amino acid substitution of arginine with cysteine at codon 755 of the RBM20 gene. The variant has no entry in ClinVar and has occurred in GnomAD with a total MAF of 0.0020% and highest MAF of 0.0044% in the South Asian population. This position is conserved. In silico functional algorithms agreed, with PolyPhen calling it probably damaging, and SIFT deleterious, but no functional studies were performed to confirm these predictions. The variant has not occurred in literature associated with disease. Considering that this is a rare variant, whose impact on the protein and association with disease are unknown, it has been classified as a Variant of Uncertain Significance.

Ambry Genetics
Classification: Uncertain significance for Cardiovascular phenotype. Last evaluated: 2020-10-27. Review status: criteria provided, single submitter. Criteria: Ambry Variant Classification Scheme 2023. Collection method: clinical testing. Allele origin: germline.
Comment: The p.R755C variant (also known as c.2263C>T), located in coding exon 9 of the RBM20 gene, results from a C to T substitution at nucleotide position 2263. The arginine at codon 755 is replaced by cysteine, an amino acid with highly dissimilar properties. This amino acid position is well conserved in available vertebrate species. In addition, the in silico prediction for this alteration is inconclusive. Since supporting evidence is limited at this time, the clinical significance of this alteration remains unclear.

NM_001134363.3(RBM20):c.2263C>T (p.Arg755Cys)

Gene: RBM20 (RNA binding motif protein 20; plus strand). Cytogenetic location: 10q25.2.
Variant type: single nucleotide variant.
Coding change: c.2263C>T on transcript NM_001134363.3 (MANE Select); coding-DNA position 2263, C replaced by T.
Protein change: p.Arg755Cys; replaces arginine 755 with cysteine.
Molecular consequence: missense variant.
Genome position (GRCh38, 1-based): chr10:110,812,660, C>T. VCF-style: chr10-110812660-C-T. GRCh37 (hg19) VCF-style: chr10-112572418-C-T.
Other names: short protein forms R755C.
Identifiers: ClinVar variation 1339301 (VCV001339301.9), dbSNP rs770910910, ClinGen allele CA5688676.
Genomic context (GRCh38, chr10:110,812,660, plus strand): 5'-GAGAAGTACCCGAGATCTGGGTCTCCCAACCTGCCCCACTCTGTGTCCAGCTACAAAAGC[C>T]GTGAAGACGGCTACTACCGGAAAGAGCCCAAAGCCAAGTCGGACAAGTATCTGAAGCAGC-3'
Protein context (NP_001127835.2, residues 745-765): LPHSVSSYKS[Arg755Cys]EDGYYRKEPK